The following is an entry in ClinVar:

NM_001173464.2(KIF21A):c.2839A>G (p.Met947Val)

Gene: KIF21A (kinesin family member 21A; minus strand). Cytogenetic location: 12q12.
Variant type: single nucleotide variant.
Coding change: c.2839A>G on transcript NM_001173464.2 (MANE Select); coding-DNA position 2839, A replaced by G.
Protein change: p.Met947Val; replaces methionine 947 with valine.
Molecular consequence: missense variant.
Genome position (GRCh38, 1-based): chr12:39,332,608, T>C on the plus strand (A>G on the coding strand, the complement: KIF21A is on the minus strand). VCF-style: chr12-39332608-T-C. GRCh37 (hg19) VCF-style: chr12-39726410-T-C.
Other names: c.2800A>G, p.Met934Val (NM_001173463.2, NM_017641.4); c.2731A>G, p.Met911Val (NM_001173465.2); c.2839A>G (NM_001173464.1); short protein forms M947V, M934V, M911V.
Identifiers: ClinVar variation 2440 (VCV000002440.5), dbSNP rs121912589, ClinGen allele CA252284.
Genomic context (GRCh38, chr12:39,332,608, plus strand): 5'-CAGTTAGCTAAGGGGGAGCGTATCTACTCTCTATTTTCCACACCTTGAGGAGTCTATTCA[T>C]ATCTGCCTCCATGTTGGAAATGGTCATCTTCTGCATGATGATGTCTGTGACCCTGCGCTC-3'
Protein context (NP_001166935.1, residues 937-957): KMTISNMEAD[Met947Val]NRLLKQREEL

ClinVar aggregate classification (germline): Likely pathogenic. Review status: criteria provided, single submitter (1 of 4 stars). 2 submissions from 2 submitters: Likely pathogenic (1). 1 of the submissions does not count toward it. Last evaluated 2025-03-20.

Conditions:
KIF21A-related disorder. Also called: KIF21A-related condition.
Congenital fibrosis of extraocular muscles type 1. Also called: BLEPHAROPTOSIS WITH ABSENT EYE MOVEMENTS; FEOM1 LOCUS; CFEOM3B; OPHTHALMOPLEGIA, CONGENITAL. Identifiers: MedGen C1851102, MONDO:0021083, OMIM 135700.

Submissions (2):

PreventionGenetics, part of Exact Sciences
Classification: Likely pathogenic for KIF21A-related condition. Last evaluated: 2025-03-20. Review status: criteria provided, single submitter. Criteria: ACMG Guidelines, 2015. Collection method: clinical testing. Allele origin: germline.
Comment: The KIF21A c.2839A>G variant is predicted to result in the amino acid substitution p.Met947Val. This variant can also be denoted as c.2800A>G (p.Met934Val) in transcript NM_017641. This variant has been reported in a kindred with congenital fibrosis of the extraocular muscles (Yamada et al. 2003. PubMed ID: 14595441). Alternate substitutions of this amino acid residue (p.Met947Thr, p.Met947Arg, and p.met947Ile) have also been reported in individuals with congenital fibrosis of the extraocular muscles (Yamada et al. 2005. PubMed ID: 16157808; Yamada et al. 2004. PubMed ID: 15223798). This variant has not been reported in a large population database (gnomAD), indicating this variant is rare. This variant is interpreted as likely pathogenic.

OMIM
Classification: Pathogenic for CONGENITAL FIBROSIS OF EXTRAOCULAR MUSCLES 1. Last evaluated: 2003-12-01. Review status: no assertion criteria provided. Collection method: literature only. Allele origin: germline. Not counted in ClinVar's aggregate classification.

Literature cited by the submitters: PubMed 14595441 (cited by OMIM).